The following is an entry in ClinVar:

ClinVar aggregate classification (germline): Pathogenic. Review status: no assertion criteria provided (0 of 4 stars). 2 submissions from 2 submitters: Pathogenic (2). Last evaluated 2012-10-04.

Conditions:
Hyperekplexia 1 (STHE). Also called: HYPEREKPLEXIA 1, AUTOSOMAL DOMINANT; HYPEREKPLEXIA 1, AUTOSOMAL RECESSIVE; STARTLE DISEASE, FAMILIAL; STIFF-BABY SYNDROME; STIFF-MAN SYNDROME, CONGENITAL; STIFF-PERSON SYNDROME, CONGENITAL. Identifiers: Orphanet 3197, MedGen C4551954, MONDO:0007868, OMIM 149400.

Submissions (2):

GeneReviews
Classification: Pathogenic for Hyperekplexia. Last evaluated: 2012-10-04. Review status: no assertion criteria provided. Collection method: curation. Allele origin: unknown.
ClinVar note: Converted during submission from pathologic to Pathogenic.

OMIM
Classification: Pathogenic for HYPEREKPLEXIA 1, AUTOSOMAL RECESSIVE. Last evaluated: 2006-07-11. Review status: no assertion criteria provided. Collection method: literature only. Allele origin: germline.

Literature cited by the submitters: PubMed 16832093 (cited by OMIM); PubMed 15771552 (cited by OMIM).

NM_001146040.1(GLRA1):c.(?_-287)_(912+?)del

Gene: GLRA1 (glycine receptor alpha 1; minus strand). Cytogenetic location: 5q32.
Variant type: Deletion.
Coding change: c.(?_-287)_(912+?)del on transcript NM_001146040.1; a large deletion whose breakpoints are not mapped to the base.
Other names: 170-KB DEL; c.(?_-287)_(912+?)del (NM_001146040.1).
Identifiers: ClinVar variation 16072 (VCV000016072.3).